The following is an entry in ClinVar:

ClinVar aggregate classification (germline): Benign. Review status: reviewed by expert panel (3 of 4 stars). 11 submissions from 10 submitters: Benign (1). 10 of the submissions do not count toward it. Last evaluated 2021-01-12.

Conditions:
RUNX1-related disorder. Also called: RUNX1-related condition.
Inborn genetic diseases. Identifiers: MedGen C0950123, MeSH D030342.
Hereditary thrombocytopenia and hematologic cancer predisposition syndrome. Identifiers: Orphanet 71290, MedGen CN281654, MONDO:0011071.
Acute myeloid leukemia (AML). Also called: Acute myeloid leukemia, adult; AML adult; Acute non-lymphocytic leukemia; Acute granulocytic leukemia; Leukemia, acute myelogenous, somatic; Leukemia, acute myeloid, somatic. Identifiers: Orphanet 519, MedGen C0023467, MeSH D015470, MONDO:0018874, OMIM 601626, HP:0004808. Disease mechanism: Constitutively activated FLT3.
Hereditary thrombocytopenia and hematological cancer predisposition syndrome associated with RUNX1. Also called: RUNX1 Familial Platelet Disorder with Associated Myeloid Malignancies; Familial Platelet Disorder with Propensity to Acute Myelogenous Leukemia; PLATELET DISORDER, ASPIRIN-LIKE; Familial thrombocytopenia with propensity to acute myelogenous leukemia. Identifiers: Orphanet 71290, MedGen C1832388, MeSH C563324, MONDO:0100083, OMIM 601399.

Allele frequency attached by ClinVar (database versions not stated): gnomAD exomes 0.00095 and 0.00282; ExAC 0.00343; gnomAD 0.01037 and 0.01119; 1000 Genomes Project 0.01198; TOPMed 0.01205; ESP Exome Variant Server 0.01246; 1000 Genomes Project 30x 0.01296.
gnomAD v4.1: 3,064 of 1,614,208 alleles (0.19%); highest among the groups gnomAD compares: African/African-American, 3.6%; 33 homozygotes.

Submissions (20):

ClinGen Myeloid Malignancy Variant Curation Expert Panel
Classification: Benign for Hereditary thrombocytopenia and hematologic cancer predisposition syndrome. Last evaluated: 2021-01-12. Review status: reviewed by expert panel. Criteria: ClinGen MyeloMalig ACMG Specifications v1. Collection method: curation. Allele origin: germline. Inheritance: Autosomal dominant inheritance.
Comment: This synonymous variant is present in gnomAD (v2 and v3) at an allele frequency >0.15% with at least 5 alleles in any general continental population (BA1); in addition, the variant was found in homozygosity in the population database (BP2). Although the variant is predicted by SSF and MES to create a putative cryptic donor splice site at c.925 (insignificant prediction by SpliceAI), evolutionary conservation prediction algorithms predict the site as being weakly conserved (PhyloP score: 1.25 > 0.1 [-14.1;6.4]), and the variant is not the reference nucleotide in one primate and/or three mammal species, SSF and MES predict either an increase in the canonical splice site score or a decrease of the canonical splice site score by no more than 10%. In summary, the clinical significance of this variant is benign. ACMG/AMP criteria applied, as specified by the ClinGen Myeloid Malignancy Variant Curation Expert Panel for RUNX1: BA1 and BP2.

Labcorp Genetics (formerly Invitae), Labcorp
Classification: Benign for Hereditary thrombocytopenia and hematological cancer predisposition syndrome associated with RUNX1. Last evaluated: 2026-01-27. Review status: criteria provided, single submitter. Criteria: Invitae Variant Classification Sherloc (09022015). Collection method: clinical testing. Allele origin: germline. Not counted in ClinVar's aggregate classification.

KCCC/NGS Laboratory, Kuwait Cancer Control Center
Classification: Benign for Hereditary thrombocytopenia and hematological cancer predisposition syndrome associated with RUNX1. Last evaluated: 2025-02-01. Review status: criteria provided, single submitter. Criteria: ACMG Guidelines, 2015. Collection method: clinical testing. Allele origin: germline. Affected: no. Not counted in ClinVar's aggregate classification.

Ambry Genetics
Classification: Benign for Inborn genetic diseases. Last evaluated: 2024-11-22. Review status: criteria provided, single submitter. Criteria: Ambry Variant Classification Scheme 2023. Collection method: clinical testing. Allele origin: germline. Not counted in ClinVar's aggregate classification.

Blueprint Genetics
Classification: Likely benign. Last evaluated: 2024-10-22. Review status: criteria provided, single submitter. Criteria: ACMG Guidelines, 2015. Collection method: clinical testing. Allele origin: germline. Not counted in ClinVar's aggregate classification.

Mayo Clinic Laboratories, Mayo Clinic
Classification: Benign. Last evaluated: 2024-08-06. Review status: criteria provided, single submitter. Criteria: ACMG Guidelines, 2015. Collection method: clinical testing. Allele origin: germline. Observed: 3 variant alleles. Not counted in ClinVar's aggregate classification.
Comment: BS1, BS2, BP4, BP6, BP7

KCCC/NGS Laboratory, Kuwait Cancer Control Center
Classification: Benign for Acute myeloid leukemia. Last evaluated: 2023-07-07. Review status: criteria provided, single submitter. Criteria: ACMG Guidelines, 2015. Collection method: clinical testing. Allele origin: germline. Affected: yes. Not counted in ClinVar's aggregate classification.

GeneDx
Classification: Likely benign. Last evaluated: 2021-06-02. Review status: criteria provided, single submitter. Criteria: GeneDx Variant Classification Process June 2021. Collection method: clinical testing. Allele origin: germline. Affected: yes. Not counted in ClinVar's aggregate classification.

Illumina Laboratory Services, Illumina
Classification: Benign for Hereditary thrombocytopenia and hematological cancer predisposition syndrome associated with RUNX1. Last evaluated: 2018-01-13. Review status: criteria provided, single submitter. Criteria: ICSL Variant Classification Criteria 13 December 2019. Collection method: clinical testing. Allele origin: germline. Not counted in ClinVar's aggregate classification.
Comment: This variant was observed in the ICSL laboratory as part of a predisposition screen in an ostensibly healthy population. It had not been previously curated by ICSL or reported in the Human Gene Mutation Database (HGMD: prior to June 1st, 2018), and was therefore a candidate for classification through an automated scoring system. Utilizing variant allele frequency, disease prevalence and penetrance estimates, and inheritance mode, an automated score was calculated to assess if this variant is too frequent to cause the disease. Based on the score and internal cut-off values, a variant classified as benign is not then subjected to further curation. The score for this variant resulted in a classification of benign for this disease.

Breakthrough Genomics
Classification: Benign. Review status: criteria provided, single submitter. Criteria: ACMG Guidelines, 2015. Collection method: not provided. Allele origin: germline. Inheritance: Autosomal dominant inheritance. Affected: yes. Not counted in ClinVar's aggregate classification.

PreventionGenetics, part of Exact Sciences
Classification: Benign for RUNX1-related condition. Last evaluated: 2023-01-10. Review status: no assertion criteria provided. Collection method: clinical testing. Allele origin: germline. Not counted in ClinVar's aggregate classification.
Comment: This variant is classified as benign based on ACMG/AMP sequence variant interpretation guidelines (Richards et al. 2015 PMID: 25741868, with internal and published modifications).

Dr. Peter K. Rogan Lab, Western University
No classification provided (evidence only). Condition: Lung cancer. Review status: no classification provided. Collection method: in vitro. Allele origin: not applicable. Functional consequence: retained intron. Not counted in ClinVar's aggregate classification.

Dr. Peter K. Rogan Lab, Western University
No classification provided (evidence only). Condition: Lung cancer. Review status: no classification provided. Collection method: in vitro. Allele origin: not applicable. Functional consequence: retained intron. Not counted in ClinVar's aggregate classification.

Dr. Peter K. Rogan Lab, Western University
No classification provided (evidence only). Condition: Lung cancer. Review status: no classification provided. Collection method: in vitro. Allele origin: not applicable. Functional consequence: retained intron. Not counted in ClinVar's aggregate classification.

Dr. Peter K. Rogan Lab, Western University
No classification provided (evidence only). Condition: Colon adenocarcinoma. Review status: no classification provided. Collection method: in vitro. Allele origin: not applicable. Functional consequence: retained intron. Not counted in ClinVar's aggregate classification.

Dr. Peter K. Rogan Lab, Western University
No classification provided (evidence only). Condition: Thyroid cancer, nonmedullary, 1. Review status: no classification provided. Collection method: in vitro. Allele origin: not applicable. Functional consequence: retained intron. Not counted in ClinVar's aggregate classification.

Dr. Peter K. Rogan Lab, Western University
No classification provided (evidence only). Condition: Uterine corpus endometrial carcinoma. Review status: no classification provided. Collection method: in vitro. Allele origin: not applicable. Functional consequence: retained intron. Not counted in ClinVar's aggregate classification.

Dr. Peter K. Rogan Lab, Western University
No classification provided (evidence only). Condition: Uterine corpus endometrial carcinoma. Review status: no classification provided. Collection method: in vitro. Allele origin: not applicable. Functional consequence: skipped exon. Not counted in ClinVar's aggregate classification.

Dr. Peter K. Rogan Lab, Western University
No classification provided (evidence only). Condition: Uterine corpus endometrial carcinoma. Review status: no classification provided. Collection method: in vitro. Allele origin: not applicable. Functional consequence: retained intron. Not counted in ClinVar's aggregate classification.

Dr. Peter K. Rogan Lab, Western University
No classification provided (evidence only). Condition: Ovarian serous cystadenocarcinoma. Review status: no classification provided. Collection method: in vitro. Allele origin: not applicable. Functional consequence: retained intron. Not counted in ClinVar's aggregate classification.

NM_001754.5(RUNX1):c.927C>T (p.Gly309=)

Gene: RUNX1 (RUNX family transcription factor 1; minus strand). Cytogenetic location: 21q22.12.
Variant type: single nucleotide variant.
Coding change: c.927C>T on transcript NM_001754.5 (MANE Select); coding-DNA position 927, C replaced by T.
Protein change: p.Gly309=; no amino-acid change (glycine 309 retained).
Molecular consequence: synonymous variant.
Genome position (GRCh38, 1-based): chr21:34,799,341, G>A on the plus strand (C>T on the coding strand, the complement: RUNX1 is on the minus strand). VCF-style: chr21-34799341-G-A. GRCh37 (hg19) VCF-style: chr21-36171638-G-A.
Other names: p.Gly309=; c.846C>T, p.Gly282= (NM_001001890.3).
Identifiers: ClinVar variation 239057 (VCV000239057.28), dbSNP rs59802347, ClinGen allele CA10014267.